The following is an entry in ClinVar:

ClinVar aggregate classification (germline): Uncertain significance. Review status: criteria provided, multiple submitters, no conflicts (2 of 4 stars). 4 submissions from 4 submitters: Uncertain significance (4). Last evaluated 2025-11-05.

Conditions:
Hereditary cancer-predisposing syndrome. Also called: Neoplastic Syndromes, Hereditary; Tumor predisposition; Hereditary Cancer Syndrome; Hereditary neoplastic syndrome. Identifiers: Orphanet 140162, MedGen C0027672, MeSH D009386, MONDO:0015356.
Classic or attenuated familial adenomatous polyposis. Identifiers: MedGen CN372698, MONDO:0021057.
Familial adenomatous polyposis 1 (FAP1). Also called: FAMILIAL ADENOMATOUS POLYPOSIS 1, ATTENUATED; POLYPOSIS, ADENOMATOUS INTESTINAL. Identifiers: MedGen C2713442, MONDO:0021056, OMIM 175100. Disease mechanism: loss of function.

gnomAD v4.1: 3 of 1,614,170 alleles (0.00019%); highest among the groups gnomAD compares: South Asian, 0.0011%; no homozygotes.

Submissions (4):

Labcorp Genetics (formerly Invitae), Labcorp
Classification: Uncertain significance for Familial adenomatous polyposis 1. Last evaluated: 2025-11-05. Review status: criteria provided, single submitter. Criteria: Invitae Variant Classification Sherloc (09022015). Collection method: clinical testing. Allele origin: germline.
Comment: This sequence change replaces isoleucine, which is neutral and non-polar, with valine, which is neutral and non-polar, at codon 1056 of the APC protein (p.Ile1056Val). This variant is not present in population databases (gnomAD no frequency). This variant has not been reported in the literature in individuals affected with APC-related conditions. ClinVar contains an entry for this variant (Variation ID: 186271). Invitae Evidence Modeling of protein sequence and biophysical properties (such as structural, functional, and spatial information, amino acid conservation, physicochemical variation, residue mobility, and thermodynamic stability) indicates that this missense variant is not expected to disrupt APC protein function with a negative predictive value of 95%. In summary, the available evidence is currently insufficient to determine the role of this variant in disease. Therefore, it has been classified as a Variant of Uncertain Significance.

Ambry Genetics
Classification: Uncertain significance for Hereditary cancer-predisposing syndrome. Last evaluated: 2024-04-13. Review status: criteria provided, single submitter. Criteria: Ambry Variant Classification Scheme 2023. Collection method: clinical testing. Allele origin: germline.
Comment: The p.I1056V variant (also known as c.3166A>G), located in coding exon 15 of the APC gene, results from an A to G substitution at nucleotide position 3166. The isoleucine at codon 1056 is replaced by valine, an amino acid with highly similar properties. This amino acid position is well conserved in available vertebrate species. In addition, in silico predictors for this gene do not accurately predict pathogenicity. Since supporting evidence is limited at this time, the clinical significance of this alteration remains unclear.

All of Us Research Program, National Institutes of Health
Classification: Uncertain significance for Classic or attenuated familial adenomatous polyposis. Last evaluated: 2023-11-30. Review status: criteria provided, single submitter. Criteria: ACMG Guidelines, 2015. Collection method: clinical testing. Allele origin: germline. Inheritance: Autosomal dominant inheritance. Observed: 1 variant allele, 1 heterozygote.
Comment: This study involves interpretation of variants in research participants for the purpose of population health screening. Participant phenotype was not available at the time of variant classification. Additional details can be found in publication PMID: 35346344, PMCID: PMC8962531

Color Diagnostics, LLC DBA Color Health
Classification: Uncertain significance for Hereditary cancer-predisposing syndrome. Last evaluated: 2019-03-25. Review status: criteria provided, single submitter. Criteria: ACMG Guidelines, 2015. Collection method: clinical testing. Allele origin: germline.

NM_000038.6(APC):c.3166A>G (p.Ile1056Val)

Gene: APC (APC regulator of Wnt signaling pathway; plus strand). Cytogenetic location: 5q22.2.
Variant type: single nucleotide variant.
Coding change: c.3166A>G on transcript NM_000038.6 (MANE Select); coding-DNA position 3166, A replaced by G.
Protein change: p.Ile1056Val; replaces isoleucine 1056 with valine.
Molecular consequence: missense variant.
Genome position (GRCh38, 1-based): chr5:112,838,760, A>G. VCF-style: chr5-112838760-A-G. GRCh37 (hg19) VCF-style: chr5-112174457-A-G.
Other names: c.3166A>G, p.Ile1056Val (NM_001127510.3, NM_001354895.2); c.3112A>G, p.Ile1038Val (NM_001127511.3); c.3220A>G, p.Ile1074Val (NM_001354896.2); c.3196A>G, p.Ile1066Val (NM_001354897.2); c.3091A>G, p.Ile1031Val (NM_001354898.2); c.3082A>G, p.Ile1028Val (NM_001354899.2); c.3043A>G, p.Ile1015Val (NM_001354900.2); c.2989A>G, p.Ile997Val (NM_001354901.2); and 5 more; short protein forms I1038V, I1056V, I1031V, I896V, I955V, I965V, I1028V, I1066V.
Identifiers: ClinVar variation 186271 (VCV000186271.21), dbSNP rs770526770, ClinGen allele CA008109.